The following is an entry in ClinVar:

ClinVar aggregate classification (germline): Uncertain significance (1 of 4 stars; one submission).

Conditions:
Hypertrophic cardiomyopathy 26. Also called: Cardiomyopathy, familial hypertrophic, 26. Identifiers: Orphanet 75249, MedGen C4310749, MONDO:0014883, OMIM 617047.
Myofibrillar myopathy 5. Also called: Filaminopathy (type); FILAMINOPATHY, AUTOSOMAL DOMINANT. Identifiers: Orphanet 171445, MedGen C1836050, MONDO:0012289, OMIM 609524.
Distal myopathy with posterior leg and anterior hand involvement. Also called: WILLIAMS DISTAL MYOPATHY. Identifiers: Orphanet 63273, MedGen C3279722, MONDO:0013550, OMIM 614065.

Submission:

Labcorp Genetics (formerly Invitae), Labcorp
Classification: Uncertain significance for Distal myopathy with posterior leg and anterior hand involvement; Myofibrillar myopathy 5; Hypertrophic cardiomyopathy 26. Last evaluated: 2025-10-06. Review status: criteria provided, single submitter. Criteria: Invitae Variant Classification Sherloc (09022015). Collection method: clinical testing. Allele origin: germline.
Comment: This sequence change replaces histidine, which is basic and polar, with glutamine, which is neutral and polar, at codon 865 of the FLNC protein (p.His865Gln). This variant is not present in population databases (gnomAD no frequency). This variant has not been reported in the literature in individuals affected with FLNC-related conditions. Invitae Evidence Modeling of protein sequence and biophysical properties (such as structural, functional, and spatial information, amino acid conservation, physicochemical variation, residue mobility, and thermodynamic stability) has been performed for this missense variant. However, the output from this modeling did not meet the statistical confidence thresholds required to predict the impact of this variant on FLNC protein function. In summary, the available evidence is currently insufficient to determine the role of this variant in disease. Therefore, it has been classified as a Variant of Uncertain Significance.

NM_001458.5(FLNC):c.2595C>G (p.His865Gln)

Gene: FLNC (filamin C; plus strand). Cytogenetic location: 7q32.1.
Variant type: single nucleotide variant.
Coding change: c.2595C>G on transcript NM_001458.5 (MANE Select); coding-DNA position 2595, C replaced by G.
Protein change: p.His865Gln; replaces histidine 865 with glutamine.
Molecular consequence: missense variant.
Genome position (GRCh38, 1-based): chr7:128,843,273, C>G. VCF-style: chr7-128843273-C-G. GRCh37 (hg19) VCF-style: chr7-128483327-C-G.
Other names: c.2595C>G, p.His865Gln (NM_001127487.2); short protein forms H865Q.
Identifiers: ClinVar variation 4812681 (VCV004812681.1).